The following is an entry in ClinVar:

NM_016203.4(PRKAG2):c.*112A>G

Gene: PRKAG2 (protein kinase AMP-activated non-catalytic subunit gamma 2; minus strand). Cytogenetic location: 7q36.1.
Variant type: single nucleotide variant.
Coding change: c.*112A>G on transcript NM_016203.4 (MANE Select); 112 bases downstream of the stop codon, A replaced by G.
Molecular consequence: 3 prime UTR variant.
Genome position (GRCh38, 1-based): chr7:151,557,089, T>C on the plus strand (A>G on the coding strand, the complement: PRKAG2 is on the minus strand). VCF-style: chr7-151557089-T-C. GRCh37 (hg19) VCF-style: chr7-151254175-T-C.
Other names: c.*112A>G (NM_001040633.2, NM_001304527.2, NM_001304531.2 and 2 more transcripts).
Identifiers: ClinVar variation 359342 (VCV000359342.7), dbSNP rs8961, ClinGen allele CA10623474.

ClinVar aggregate classification (germline): Benign. Review status: criteria provided, multiple submitters, no conflicts (2 of 4 stars). 4 submissions from 3 submitters: Benign (4). Last evaluated 2018-01-13.

Conditions:
Hypertrophic cardiomyopathy 6. Identifiers: MedGen C1833236, MONDO:0010946, OMIM 600858.
Wolff-Parkinson-White pattern. Also called: WPW SYNDROME; Auriculoventricular accessory pathway syndrome; False bundle branch block syndrome; Anomalous ventricular excitation syndrome. Identifiers: MedGen C0043202, MONDO:0008685, OMIM 194200, HP:0001716.

Allele frequency attached by ClinVar (database versions not stated): TOPMed 0.52889; 1000 Genomes Project 30x 0.54044; gnomAD 0.54129 and 0.55014; 1000 Genomes Project 0.55431; gnomAD exomes 0.64344.
gnomAD v4.1: 960,257 of 1,515,240 alleles (63%); highest among the groups gnomAD compares: East Asian, 72%; 309,960 homozygotes.

Submissions (4):

Illumina Laboratory Services, Illumina
Classification: Benign for Hypertrophic cardiomyopathy 6. Last evaluated: 2018-01-13. Review status: criteria provided, single submitter. Criteria: ICSL Variant Classification Criteria 13 December 2019. Collection method: clinical testing. Allele origin: germline.
Comment: This variant was observed in the ICSL laboratory as part of a predisposition screen in an ostensibly healthy population. It had not been previously curated by ICSL or reported in the Human Gene Mutation Database (HGMD: prior to June 1st, 2018), and was therefore a candidate for classification through an automated scoring system. Utilizing variant allele frequency, disease prevalence and penetrance estimates, and inheritance mode, an automated score was calculated to assess if this variant is too frequent to cause the disease. Based on the score and internal cut-off values, a variant classified as benign is not then subjected to further curation. The score for this variant resulted in a classification of benign for this disease.

Illumina Laboratory Services, Illumina
Classification: Benign for Wolff-Parkinson-White pattern. Last evaluated: 2018-01-13. Review status: criteria provided, single submitter. Criteria: ICSL Variant Classification Criteria 13 December 2019. Collection method: clinical testing. Allele origin: germline.
Comment: the same text as in the submission from Illumina Laboratory Services, Illumina above.

GeneDx
Classification: Benign. Last evaluated: 2015-03-03. Review status: criteria provided, single submitter. Criteria: GeneDx Variant Classification Process June 2021. Collection method: clinical testing. Allele origin: germline. Affected: yes.

Breakthrough Genomics
Classification: Benign. Review status: criteria provided, single submitter. Criteria: ACMG Guidelines, 2015. Collection method: not provided. Allele origin: germline. Inheritance: Autosomal dominant inheritance. Affected: yes.